The following is an entry in ClinVar:

ClinVar aggregate classification (germline): Benign/Likely benign. Review status: criteria provided, multiple submitters, no conflicts (2 of 4 stars). 6 submissions from 6 submitters: Benign (4); Likely benign (2). Last evaluated 2026-01-20.

Conditions:
FASTKD2-related disorder. Also called: FASTKD2-related condition.
Mitochondrial complex IV deficiency, nuclear type 1 (MC4DN1). Also called: Mitochondrial complex IV deficiency; Complex 4 mitochondrial respiratory chain deficiency; Deficiency of mitochondrial respiratory chain complex4; Complex IV deficiency; COX DEFICIENCY. Identifiers: MedGen C5435656, MONDO:0700250, OMIM 220110. Disease mechanism: loss of function.

Allele frequency attached by ClinVar (database versions not stated): 1000 Genomes Project 30x 0.01109; ESP Exome Variant Server 0.01153; gnomAD exomes 0.00096 and 0.00240; ExAC 0.00309; 1000 Genomes Project 0.00938; gnomAD 0.00985 and 0.01063; TOPMed 0.01081.
gnomAD v4.1: 2,980 of 1,613,872 alleles (0.18%); highest among the groups gnomAD compares: African/African-American, 3.3%; 39 homozygotes.

Submissions (6):

Labcorp Genetics (formerly Invitae), Labcorp
Classification: Benign. Last evaluated: 2026-01-20. Review status: criteria provided, single submitter. Criteria: Invitae Variant Classification Sherloc (09022015). Collection method: clinical testing. Allele origin: germline.

PreventionGenetics, part of Exact Sciences
Classification: Benign for FASTKD2-related condition. Last evaluated: 2025-03-24. Review status: criteria provided, single submitter. Criteria: ACMG Guidelines, 2015. Collection method: clinical testing. Allele origin: germline.
Comment: This variant is classified as benign based on ACMG/AMP sequence variant interpretation guidelines (Richards et al. 2015 PMID: 25741868, with internal and published modifications).

Illumina Laboratory Services, Illumina
Classification: Likely benign for Mitochondrial complex IV deficiency, nuclear type 1. Last evaluated: 2017-04-27. Review status: criteria provided, single submitter. Criteria: ICSL Variant Classification Criteria 13 December 2019. Collection method: clinical testing. Allele origin: germline.
Comment: This variant was observed as part of a predisposition screen in an ostensibly healthy population. A literature search was performed for the gene, cDNA change, and amino acid change (where applicable). No publications were found based on this search. Allele frequency data from public databases allowed determination this variant is unlikely to cause disease. Therefore, this variant is classified as likely benign.

Center for Pediatric Genomic Medicine, Children's Mercy Hospital and Clinics
Classification: Benign. Last evaluated: 2017-01-12. Review status: criteria provided, single submitter. Criteria: ACMG Guidelines, 2015. Collection method: clinical testing. Allele origin: germline.

GeneDx
Classification: Benign. Last evaluated: 2014-06-13. Review status: criteria provided, single submitter. Criteria: GeneDx Variant Classification (06012015). Collection method: clinical testing. Allele origin: germline. Affected: yes.
Comment: This variant is considered likely benign or benign based on one or more of the following criteria: it is a conservative change, it occurs at a poorly conserved position in the protein, it is predicted to be benign by multiple in silico algorithms, and/or has population frequency not consistent with disease.

Breakthrough Genomics
Classification: Likely benign. Review status: criteria provided, single submitter. Criteria: ACMG Guidelines, 2015. Collection method: not provided. Allele origin: germline. Inheritance: Autosomal recessive inheritance. Affected: yes.

NM_001136193.2(FASTKD2):c.1187A>G (p.Asn396Ser)

Gene: FASTKD2 (FASTK mitochondrial RNA regulator 2; plus strand). Cytogenetic location: 2q33.3.
Variant type: single nucleotide variant.
Coding change: c.1187A>G on transcript NM_001136193.2 (MANE Select); coding-DNA position 1187, A replaced by G.
Protein change: p.Asn396Ser; replaces asparagine 396 with serine.
Molecular consequence: missense variant.
Genome position (GRCh38, 1-based): chr2:206,772,253, A>G. VCF-style: chr2-206772253-A-G. GRCh37 (hg19) VCF-style: chr2-207636977-A-G.
Other names: p.N396S:AAT>AGT; c.1187A>G, p.Asn396Ser (NM_001136194.2, NM_014929.4); short protein forms N396S.
Identifiers: ClinVar variation 214348 (VCV000214348.18), dbSNP rs79652942, ClinGen allele CA322297.
Genomic context (GRCh38, chr2:206,772,253, plus strand): 5'-GGTGTCCTTTAAGAATAATGATCAACATATTGCAGTCCTGCAAAGACCTCCAGTACCATA[A>G]TTTGGATCTCTTCAAGGGACTTGCAGATTATGTGGCTGCAACTTTCGACATCTGGAAGTT-3'
Protein context (NP_001129665.1, residues 386-406): LQSCKDLQYH[Asn396Ser]LDLFKGLADY